The following is an entry in ClinVar:

ClinVar aggregate classification (germline): Uncertain significance. Review status: criteria provided, multiple submitters, no conflicts (2 of 4 stars). 2 submissions from 2 submitters: Uncertain significance (2). Last evaluated 2026-01-02.

Conditions:
Autosomal dominant polycystic kidney disease. Identifiers: Orphanet 730, MedGen C0085413, MONDO:0004691.
Polycystic kidney disease 2 (PKD2). Also called: POLYCYSTIC KIDNEY DISEASE 2 WITH OR WITHOUT POLYCYSTIC LIVER DISEASE; Polycystic Kidney Disease 2, Autosomal Dominant; POLYCYSTIC KIDNEY DISEASE, ADULT, TYPE II. Identifiers: MedGen C2751306, MONDO:0013131, OMIM 613095.

Allele frequency attached by ClinVar (database versions not stated): gnomAD exomes below 0.00001 and 0.00001; ExAC 0.00001; TOPMed 0.00003; gnomAD 0.00004.
gnomAD v4.1: 11 of 1,609,736 alleles (0.00068%); highest among the groups gnomAD compares: African/African-American, 0.015%; no homozygotes.

Submissions (2):

Labcorp Genetics (formerly Invitae), Labcorp
Classification: Uncertain significance for Autosomal dominant polycystic kidney disease. Last evaluated: 2026-01-02. Review status: criteria provided, single submitter. Criteria: Invitae Variant Classification Sherloc (09022015). Collection method: clinical testing. Allele origin: germline.
Comment: This sequence change replaces aspartic acid, which is acidic and polar, with asparagine, which is neutral and polar, at codon 780 of the PKD2 protein (p.Asp780Asn). This variant is present in population databases (rs773557612, gnomAD 0.01%). This variant has not been reported in the literature in individuals affected with PKD2-related conditions. ClinVar contains an entry for this variant (Variation ID: 1362874). Invitae Evidence Modeling of protein sequence and biophysical properties (such as structural, functional, and spatial information, amino acid conservation, physicochemical variation, residue mobility, and thermodynamic stability) indicates that this missense variant is not expected to disrupt PKD2 protein function with a negative predictive value of 80%. In summary, the available evidence is currently insufficient to determine the role of this variant in disease. Therefore, it has been classified as a Variant of Uncertain Significance.

Fulgent Genetics
Classification: Uncertain significance for Polycystic kidney disease 2. Last evaluated: 2024-03-28. Review status: criteria provided, single submitter. Criteria: ACMG Guidelines, 2015. Collection method: clinical testing. Allele origin: germline.

NM_000297.4(PKD2):c.2338G>A (p.Asp780Asn)

Gene: PKD2 (polycystin 2, transient receptor potential cation channel; plus strand). Cytogenetic location: 4q22.1.
Variant type: single nucleotide variant.
Coding change: c.2338G>A on transcript NM_000297.4 (MANE Select); coding-DNA position 2338, G replaced by A.
Protein change: p.Asp780Asn; replaces aspartic acid 780 with asparagine.
Molecular consequence: missense variant. On other transcripts: non-coding transcript variant (1).
Genome position (GRCh38, 1-based): chr4:88,065,859, G>A. VCF-style: chr4-88065859-G-A. GRCh37 (hg19) VCF-style: chr4-88987011-G-A.
Other names: short protein forms D780N.
Identifiers: ClinVar variation 1362874 (VCV001362874.9), dbSNP rs773557612, ClinGen allele CA3004208.